The following is an entry in ClinVar:

NM_006393.3(NEBL):c.369+18T>C

Gene: NEBL (nebulette; minus strand). Cytogenetic location: 10p12.31.
Variant type: single nucleotide variant.
Coding change: c.369+18T>C on transcript NM_006393.3 (MANE Select); 18 bases into the intron after coding-DNA position 369, T replaced by C.
Molecular consequence: intron variant.
Genome position (GRCh38, 1-based): chr10:20,888,079, A>G on the plus strand (T>C on the coding strand, the complement: NEBL is on the minus strand). VCF-style: chr10-20888079-A-G. GRCh37 (hg19) VCF-style: chr10-21177008-A-G.
Other names: c.249+73593T>C (NM_001377326.1, NM_001377327.1, NM_001377328.1); c.357+73593T>C (NM_213569.2, NM_001173484.2, NM_001377322.1); c.300+73593T>C (NM_001377324.1); c.291+73593T>C (NM_001377325.1); c.309+73593T>C (NM_001377323.1).
Identifiers: ClinVar variation 392637 (VCV000392637.1), dbSNP rs771142727, ClinGen allele CA5433276.

ClinVar aggregate classification (germline): Likely benign (1 of 4 stars; one submission).

Allele frequency attached by ClinVar (database versions not stated): ExAC 0.00001; gnomAD exomes below 0.00001.
gnomAD v4.1: 1 of 1,513,054 alleles (0.000066%); highest among the groups gnomAD compares: South Asian, 0.0011%; no homozygotes.

Submission:

GeneDx
Classification: Likely benign. Last evaluated: 2017-01-09. Review status: criteria provided, single submitter. Criteria: GeneDx Variant Classification (06012015). Collection method: clinical testing. Allele origin: germline. Affected: yes.
Comment: This variant is considered likely benign or benign based on one or more of the following criteria: it is a conservative change, it occurs at a poorly conserved position in the protein, it is predicted to be benign by multiple in silico algorithms, and/or has population frequency not consistent with disease.